The following is an entry in ClinVar:

ClinVar aggregate classification (germline): Uncertain significance (1 of 4 stars; one submission).

Conditions:
Hypotonia, ataxia, developmental delay, and tooth enamel defect syndrome. Identifiers: MedGen C4693578, MONDO:0060666, OMIM 617915.

Submission:

Juno Genomics, Hangzhou Juno Genomics, Inc
Classification: Uncertain significance for Hypotonia, ataxia, developmental delay, and tooth enamel defect syndrome. Review status: criteria provided, single submitter. Criteria: ACMG Guidelines, 2015. Collection method: clinical testing. Allele origin: germline.
Comment: Absent from controls (or at extremely low frequency if recessive) in Genome Aggregation Database.;Multiple lines of computational evidence support a deleterious effect on the gene or gene product.

NM_001012614.2(CTBP1):c.927C>G (p.Ser309Arg)

Genes: CTBP1 (C-terminal binding protein 1; minus strand), CTBP1-AS (CTBP1 antisense RNA; plus strand). Cytogenetic location: 4p16.3.
Variant type: single nucleotide variant.
Coding change: c.927C>G on transcript NM_001012614.2 (MANE Select); coding-DNA position 927, C replaced by G.
Protein change: p.Ser309Arg; replaces serine 309 with arginine.
Molecular consequence: missense variant.
Genome position (GRCh38, 1-based): chr4:1,213,539, G>C on the plus strand (C>G on the coding strand, the complement: CTBP1 is on the minus strand). VCF-style: chr4-1213539-G-C. GRCh37 (hg19) VCF-style: chr4-1207327-G-C.
Other names: c.960C>G, p.Ser320Arg (NM_001328.3, NM_001377186.1); c.927C>G, p.Ser309Arg (NM_001377187.1, NM_001377188.1, NM_001377189.1 and 4 more transcripts); short protein forms S309R, S320R.
Identifiers: ClinVar variation 5019470 (VCV005019470.2).